The following is an entry in ClinVar:

ClinVar aggregate classification (germline): Conflicting classifications of pathogenicity. Review status: criteria provided, conflicting classifications (1 of 4 stars). 4 submissions from 4 submitters: Uncertain significance (1); Likely benign (2). 1 of the submissions does not count toward it. Last evaluated 2026-01-07.

Conditions:
DONSON-related disorder. Also called: DONSON-related condition.

Allele frequency attached by ClinVar (database versions not stated): ESP Exome Variant Server 0.00031; 1000 Genomes Project 30x 0.00047; 1000 Genomes Project 0.00060; TOPMed 0.00071; gnomAD 0.00099 and 0.00100; ExAC 0.00129; gnomAD exomes 0.00138.

Submissions (4):

Labcorp Genetics (formerly Invitae), Labcorp
Classification: Likely benign. Last evaluated: 2026-01-07. Review status: criteria provided, single submitter. Criteria: Invitae Variant Classification Sherloc (09022015). Collection method: clinical testing. Allele origin: germline.

Blueprint Genetics
Classification: Likely benign. Last evaluated: 2024-11-28. Review status: criteria provided, single submitter. Criteria: ACMG Guidelines, 2015. Collection method: clinical testing. Allele origin: germline.

Revvity Omics, Revvity
Classification: Uncertain significance. Last evaluated: 2022-06-01. Review status: criteria provided, single submitter. Criteria: ACMG Guidelines, 2015. Collection method: clinical testing. Allele origin: germline.

PreventionGenetics, part of Exact Sciences
Classification: Likely benign for DONSON-related condition. Last evaluated: 2023-03-23. Review status: no assertion criteria provided. Collection method: clinical testing. Allele origin: germline. Not counted in ClinVar's aggregate classification.
Comment: This variant is classified as likely benign based on ACMG/AMP sequence variant interpretation guidelines (Richards et al. 2015 PMID: 25741868, with internal and published modifications).

NM_017613.4(DONSON):c.1411G>A (p.Glu471Lys)

Gene: DONSON (DNA replication fork stabilization factor DONSON; minus strand). Cytogenetic location: 21q22.11.
Variant type: single nucleotide variant.
Coding change: c.1411G>A on transcript NM_017613.4 (MANE Select); coding-DNA position 1411, G replaced by A.
Protein change: p.Glu471Lys; replaces glutamic acid 471 with lysine.
Molecular consequence: missense variant.
Genome position (GRCh38, 1-based): chr21:33,579,502, C>T on the plus strand (G>A on the coding strand, the complement: DONSON is on the minus strand). VCF-style: chr21-33579502-C-T. GRCh37 (hg19) VCF-style: chr21-34951808-C-T.
Other names: short protein forms E471K.
Identifiers: ClinVar variation 718109 (VCV000718109.15), dbSNP rs140592434, ClinGen allele CA10010322.